The following is an entry in ClinVar:

ClinVar aggregate classification (germline): Likely benign. Review status: criteria provided, multiple submitters, no conflicts (2 of 4 stars). 2 submissions from 2 submitters: Likely benign (2). Last evaluated 2025-05-28.

Conditions:
PMP22-related disorder. Also called: PMP22-related condition; PMP22-related disorders.

gnomAD v4.1: 770 of 1,576,146 alleles (0.049%); highest among the groups gnomAD compares: Non-Finnish European, 0.065%; 1 homozygote.

Submissions (2):

PreventionGenetics, part of Exact Sciences
Classification: Likely benign for PMP22-related condition. Last evaluated: 2025-05-28. Review status: criteria provided, single submitter. Criteria: ACMG Guidelines, 2015. Collection method: clinical testing. Allele origin: germline.
Comment: This variant is classified as likely benign based on ACMG/AMP sequence variant interpretation guidelines (Richards et al. 2015 PMID: 25741868, with internal and published modifications).

Blueprint Genetics
Classification: Likely benign. Last evaluated: 2024-09-04. Review status: criteria provided, single submitter. Criteria: ACMG Guidelines, 2015. Collection method: clinical testing. Allele origin: germline.

NM_000304.4(PMP22):c.79-23G>A

Gene: PMP22 (peripheral myelin protein 22; minus strand). Cytogenetic location: 17p12.
Variant type: single nucleotide variant.
Coding change: c.79-23G>A on transcript NM_000304.4 (MANE Select); 23 bases into the intron before coding-DNA position 79, G replaced by A.
Molecular consequence: intron variant.
Genome position (GRCh38, 1-based): chr17:15,259,216, C>T on the plus strand (G>A on the coding strand, the complement: PMP22 is on the minus strand). VCF-style: chr17-15259216-C-T. GRCh37 (hg19) VCF-style: chr17-15162533-C-T.
Other names: c.79-23G>A (NM_000304.3, NM_153322.3, NM_001330143.2 and 3 more transcripts).
Identifiers: ClinVar variation 4934033 (VCV004934033.2).
Genomic context (GRCh38, chr17:15,259,216, plus strand): 5'-CAGAGATCAGTTGCGTGTCCATTGCCCACGATCCATTGCTAGAGAGAATCAGATAGATAT[C>T]CTGAGTCAGGGAGGGAGGGAGGAGTGAAGGAAAAGGGGAAGGAGAAAGGCCCAGGGATGG-3'